The following is an entry in ClinVar:

ClinVar aggregate classification (germline): Conflicting classifications of pathogenicity. Review status: criteria provided, conflicting classifications (1 of 4 stars). 3 submissions from 3 submitters: Uncertain significance (2); Likely benign (1). Last evaluated 2025-10-01.

Conditions:
Gastrointestinal stromal tumor. Also called: Gastrointestinal stromal tumor, somatic; Gastrointestinal stroma tumor. Identifiers: Orphanet 44890, MedGen C0238198, MeSH D046152, MONDO:0011719, OMIM 606764, HP:0100723.
Hereditary cancer-predisposing syndrome. Also called: Hereditary neoplastic syndrome; Neoplastic Syndromes, Hereditary; Hereditary Cancer Syndrome; Tumor predisposition. Identifiers: Orphanet 140162, MedGen C0027672, MeSH D009386, MONDO:0015356.

Allele frequency attached by ClinVar (database versions not stated): TOPMed 0.00003; gnomAD 0.00005 and 0.00006.
gnomAD v4.1: 13 of 1,614,078 alleles (0.00081%); highest among the groups gnomAD compares: African/African-American, 0.012%; no homozygotes.

Submissions (3):

Labcorp Genetics (formerly Invitae), Labcorp
Classification: Uncertain significance for Gastrointestinal stromal tumor. Last evaluated: 2025-10-01. Review status: criteria provided, single submitter. Criteria: Invitae Variant Classification Sherloc (09022015). Collection method: clinical testing. Allele origin: germline.
Comment: This sequence change replaces isoleucine, which is neutral and non-polar, with valine, which is neutral and non-polar, at codon 258 of the PDGFRA protein (p.Ile258Val). This variant is present in population databases (no rsID available, gnomAD 0.02%). This variant has not been reported in the literature in individuals affected with PDGFRA-related conditions. ClinVar contains an entry for this variant (Variation ID: 566904). An algorithm developed to predict the effect of missense changes on protein structure and function outputs the following: PolyPhen-2: "Benign". The valine amino acid residue is found in multiple mammalian species, which suggests that this missense change does not adversely affect protein function. In summary, the available evidence is currently insufficient to determine the role of this variant in disease. Therefore, it has been classified as a Variant of Uncertain Significance.

GeneDx
Classification: Uncertain significance. Last evaluated: 2023-01-18. Review status: criteria provided, single submitter. Criteria: GeneDx Variant Classification Process June 2021. Collection method: clinical testing. Allele origin: germline. Affected: yes.
Comment: Not observed at significant frequency in large population cohorts (gnomAD); In silico analysis supports that this missense variant does not alter protein structure/function; Has not been previously published as pathogenic or benign to our knowledge

Ambry Genetics
Classification: Likely benign for Hereditary cancer-predisposing syndrome. Last evaluated: 2019-11-22. Review status: criteria provided, single submitter. Criteria: Ambry Variant Classification Scheme 2023. Collection method: clinical testing. Allele origin: germline.

NM_006206.6(PDGFRA):c.772A>G (p.Ile258Val)

Gene: PDGFRA (platelet derived growth factor receptor alpha; plus strand). Cytogenetic location: 4q12.
Variant type: single nucleotide variant.
Coding change: c.772A>G on transcript NM_006206.6 (MANE Select); coding-DNA position 772, A replaced by G.
Protein change: p.Ile258Val; replaces isoleucine 258 with valine.
Molecular consequence: missense variant.
Genome position (GRCh38, 1-based): chr4:54,267,301, A>G. VCF-style: chr4-54267301-A-G. GRCh37 (hg19) VCF-style: chr4-55133468-A-G.
Other names: c.772A>G, p.Ile258Val (NM_001347827.2, NM_001347829.2); c.847A>G, p.Ile283Val (NM_001347828.2); c.811A>G, p.Ile271Val (NM_001347830.2); short protein forms I258V, I271V, I283V.
Identifiers: ClinVar variation 566904 (VCV000566904.12), dbSNP rs1039985533, ClinGen allele CA96851860.